The following is an entry in ClinVar:

ClinVar aggregate classification (germline): Uncertain significance (1 of 4 stars; one submission).

gnomAD v4.1: 1 of 1,613,216 alleles (0.000062%); highest among the groups gnomAD compares: African/African-American, 0.0013%; no homozygotes.

Submission:

GeneDx
Classification: Uncertain significance. Last evaluated: 2025-05-01. Review status: criteria provided, single submitter. Criteria: GeneDx Variant Classification Process June 2021. Collection method: clinical testing. Allele origin: germline. Affected: yes.
Comment: Not observed at significant frequency in large population cohorts (gnomAD); In silico analysis supports that this missense variant has a deleterious effect on protein structure/function; Has not been previously published as pathogenic or benign to our knowledge

NM_013450.4(BAZ2B):c.425C>T (p.Pro142Leu)

Gene: BAZ2B (bromodomain adjacent to zinc finger domain 2B; minus strand). Cytogenetic location: 2q24.2.
Variant type: single nucleotide variant.
Coding change: c.425C>T on transcript NM_013450.4 (MANE Select); coding-DNA position 425, C replaced by T.
Protein change: p.Pro142Leu; replaces proline 142 with leucine.
Molecular consequence: missense variant.
Genome position (GRCh38, 1-based): chr2:159,448,319, G>A on the plus strand (C>T on the coding strand, the complement: BAZ2B is on the minus strand). VCF-style: chr2-159448319-G-A. GRCh37 (hg19) VCF-style: chr2-160304830-G-A.
Other names: c.419C>T, p.Pro140Leu (NM_001289975.1); c.236C>T, p.Pro79Leu (NM_001329857.2); c.425C>T, p.Pro142Leu (NM_001329858.2); short protein forms P140L, P142L, P79L.
Identifiers: ClinVar variation 3372573 (VCV003372573.2).